The following is an entry in ClinVar:

NM_152730.6(TBC1D32):c.3424G>T (p.Val1142Leu)

Gene: TBC1D32 (TBC1 domain family member 32; minus strand). Cytogenetic location: 6q22.31.
Variant type: single nucleotide variant.
Coding change: c.3424G>T on transcript NM_152730.6 (MANE Select); coding-DNA position 3424, G replaced by T.
Protein change: p.Val1142Leu; replaces valine 1142 with leucine.
Molecular consequence: missense variant. On other transcripts: non-coding transcript variant (1).
Genome position (GRCh38, 1-based): chr6:121,106,064, C>A on the plus strand (G>T on the coding strand, the complement: TBC1D32 is on the minus strand). VCF-style: chr6-121106064-C-A. GRCh37 (hg19) VCF-style: chr6-121427210-C-A.
Other names: c.3547G>T, p.Val1183Leu (NM_001367759.1, NM_001367760.1); short protein forms V1142L, V1183L.
Identifiers: ClinVar variation 737222 (VCV000737222.8), dbSNP rs202106970, ClinGen allele CA3980440.

ClinVar aggregate classification (germline): Likely benign. Review status: criteria provided, multiple submitters, no conflicts (2 of 4 stars). 3 submissions from 3 submitters: Likely benign (2). 1 of the submissions does not count toward it. Last evaluated 2026-01-27.

Conditions:
TBC1D32-related disorder. Also called: TBC1D32-related condition.

Allele frequency attached by ClinVar (database versions not stated): gnomAD exomes 0.00017; ExAC 0.00026; ESP Exome Variant Server 0.00067; TOPMed 0.00071; gnomAD 0.00076 and 0.00081; 1000 Genomes Project 30x 0.00094; 1000 Genomes Project 0.00100.

Submissions (3):

Labcorp Genetics (formerly Invitae), Labcorp
Classification: Likely benign. Last evaluated: 2026-01-27. Review status: criteria provided, single submitter. Criteria: Invitae Variant Classification Sherloc (09022015). Collection method: clinical testing. Allele origin: germline.

Breakthrough Genomics
Classification: Likely benign. Review status: criteria provided, single submitter. Criteria: ACMG Guidelines, 2015. Collection method: not provided. Allele origin: germline. Inheritance: Unknown mechanism. Affected: yes.

PreventionGenetics, part of Exact Sciences
Classification: Likely benign for TBC1D32-related condition. Last evaluated: 2022-10-27. Review status: no assertion criteria provided. Collection method: clinical testing. Allele origin: germline. Not counted in ClinVar's aggregate classification.
Comment: This variant is classified as likely benign based on ACMG/AMP sequence variant interpretation guidelines (Richards et al. 2015 PMID: 25741868, with internal and published modifications).